The following is an entry in ClinVar:

ClinVar aggregate classification (germline): Uncertain significance (1 of 4 stars; one submission).

Conditions:
Fanconi anemia (FA). Also called: Fanconi's anemia. Identifiers: Orphanet 84, MedGen C0015625, MeSH D005199, MONDO:0019391.

Allele frequency attached by ClinVar (database versions not stated): TOPMed 0.00002.

Submission:

Labcorp Genetics (formerly Invitae), Labcorp
Classification: Uncertain significance for Fanconi anemia. Last evaluated: 2021-09-01. Review status: criteria provided, single submitter. Criteria: Invitae Variant Classification Sherloc (09022015). Collection method: clinical testing. Allele origin: germline.
Comment: This sequence change replaces valine with isoleucine at codon 623 of the FANCI protein (p.Val623Ile). The valine residue is weakly conserved and there is a small physicochemical difference between valine and isoleucine. This variant is not present in population databases (ExAC no frequency). This variant has not been reported in the literature in individuals affected with FANCI-related conditions. Algorithms developed to predict the effect of missense changes on protein structure and function output the following: SIFT: "Tolerated"; PolyPhen-2: "Benign"; Align-GVGD: "Class C0". The isoleucine amino acid residue is found in multiple mammalian species, which suggests that this missense change does not adversely affect protein function. In summary, the available evidence is currently insufficient to determine the role of this variant in disease. Therefore, it has been classified as a Variant of Uncertain Significance.

NM_001113378.2(FANCI):c.1867G>A (p.Val623Ile)

Gene: FANCI (FA complementation group I; plus strand). Cytogenetic location: 15q26.1.
Variant type: single nucleotide variant.
Coding change: c.1867G>A on transcript NM_001113378.2 (MANE Select); coding-DNA position 1867, G replaced by A.
Protein change: p.Val623Ile; replaces valine 623 with isoleucine.
Molecular consequence: missense variant.
Genome position (GRCh38, 1-based): chr15:89,290,258, G>A. VCF-style: chr15-89290258-G-A. GRCh37 (hg19) VCF-style: chr15-89833489-G-A.
Other names: c.1588G>A, p.Val530Ile (NM_001376910.1); c.1867G>A, p.Val623Ile (NM_001376911.1, NM_018193.3); short protein forms V623I, V530I.
Identifiers: ClinVar variation 666051 (VCV000666051.6), dbSNP rs1174201813, ClinGen allele CA393747758.
Genomic context (GRCh38, chr15:89,290,258, plus strand): 5'-TTTGATTCCTCTTAGGGGTTTTATGATGTTCTTCGAAGGAACTCTCAGCTGGCTAATTCA[G>A]TCATGCAAACTCTGCTCTCACAGGTAAAATACATTTTTATGGATATATGGAAAACAGACC-3'
Protein context (NP_001106849.1, residues 613-633): LRRNSQLANS[Val623Ile]MQTLLSQLKQ